The following is an entry in ClinVar:

NM_004369.4(COL6A3):c.5838+1G>T

Gene: COL6A3 (collagen type VI alpha 3 chain; minus strand). Cytogenetic location: 2q37.3.
Variant type: single nucleotide variant.
Coding change: c.5838+1G>T on transcript NM_004369.4 (MANE Select); the canonical splice donor site of the intron after coding-DNA position 5838, G replaced by T.
Molecular consequence: splice donor variant.
Genome position (GRCh38, 1-based): chr2:237,365,697, C>A on the plus strand (G>T on the coding strand, the complement: COL6A3 is on the minus strand). VCF-style: chr2-237365697-C-A. GRCh37 (hg19) VCF-style: chr2-238274340-C-A.
Other names: c.4017+1G>T (NM_057166.5); c.5220+1G>T (NM_057167.4).
Identifiers: ClinVar variation 596397 (VCV000596397.11), dbSNP rs1559234260, ClinGen allele CA351185169.

ClinVar aggregate classification (germline): Pathogenic/Likely pathogenic. Review status: criteria provided, multiple submitters, no conflicts (2 of 4 stars). 2 submissions from 2 submitters: Pathogenic (1); Likely pathogenic (1). Last evaluated 2022-10-18.

Conditions:
Bethlem myopathy 1A. Also called: Bethlem Muscular Dystrophy; Bethlem myopathy 1; MYOPATHY, BENIGN CONGENITAL, WITH CONTRACTURES. Identifiers: Orphanet 610, MedGen CN029274, MONDO:0024530, OMIM 158810.

Submissions (2):

Labcorp Genetics (formerly Invitae), Labcorp
Classification: Likely pathogenic for Bethlem myopathy 1A. Last evaluated: 2022-10-18. Review status: criteria provided, single submitter. Criteria: Invitae Variant Classification Sherloc (09022015). Collection method: clinical testing. Allele origin: germline.
Comment: This sequence change affects a donor splice site in intron 12 of the COL6A3 gene. It is expected to disrupt RNA splicing. Variants that disrupt the donor or acceptor splice site typically lead to a loss of protein function (PMID: 16199547), and loss-of-function variants in COL6A3 are known to be pathogenic (PMID: 26004199). This variant is not present in population databases (gnomAD no frequency). This variant has not been reported in the literature in individuals affected with COL6A3-related conditions. ClinVar contains an entry for this variant (Variation ID: 596397). Algorithms developed to predict the effect of sequence changes on RNA splicing suggest that this variant may disrupt the consensus splice site. In summary, the currently available evidence indicates that the variant is pathogenic, but additional data are needed to prove that conclusively. Therefore, this variant has been classified as Likely Pathogenic.

Eurofins Ntd Llc (ga)
Classification: Pathogenic. Last evaluated: 2018-03-20. Review status: criteria provided, single submitter. Criteria: EGL ClinVar v180209 classification definitions. Collection method: clinical testing. Allele origin: germline. Observed: 1 variant allele, 1 heterozygote.

Literature cited by the submitters: PubMed 16199547 (cited by Labcorp Genetics (formerly Invitae), Labcorp); PubMed 26004199 (cited by Labcorp Genetics (formerly Invitae), Labcorp).